The following is an entry in ClinVar:

ClinVar aggregate classification (germline): Likely pathogenic (1 of 4 stars; one submission).

Submission:

ARUP Laboratories, Molecular Genetics and Genomics, ARUP Laboratories
Classification: Likely pathogenic. Last evaluated: 2025-06-12. Review status: criteria provided, single submitter. Criteria: ARUP Molecular Germline Variant Investigation Process 2024. Collection method: clinical testing. Allele origin: germline.
Comment: The DNAAF4 c.584del; p.Ile195LysfsTer30 variant (rs763906095), to our knowledge, is not reported in the medical literature or gene specific databases. This variant is only observed on three alleles in the Genome Aggregation Database (v2.1.1), indicating it is not a common polymorphism. This variant causes a frameshift by deleting a single nucleotide, so it is predicted to result in a truncated protein or mRNA subject to nonsense-mediated decay. Based on available information, this variant is considered to be likely pathogenic.

NM_130810.4(DNAAF4):c.584del (p.Ile195fs)

Genes: DNAAF4 (dynein axonemal assembly factor 4; minus strand), DNAAF4-CCPG1 (DNAAF4-CCPG1 readthrough (NMD candidate); minus strand). Cytogenetic location: 15q21.3.
Variant type: Deletion.
Coding change: c.584del on transcript NM_130810.4 (MANE Select); coding-DNA position 584, one base deleted (T; older notation c.584delT).
Protein change: p.Ile195fs; shifts the reading frame from isoleucine 195.
Molecular consequence: frameshift variant. On other transcripts: non-coding transcript variant (1).
Genome position (GRCh38, 1-based): chr15:55,466,983, A deleted on the plus strand (T on the coding strand, the reverse complement: DNAAF4 is on the minus strand). VCF-style (leftmost placement, unchanged base first): chr15-55466982-TA-T. GRCh37 (hg19) VCF-style: chr15-55759180-TA-T.
Other names: c.584del, p.Ile195fs (NM_001033559.3, NM_001033560.2); short protein forms I195fs.
Identifiers: ClinVar variation 4685881 (VCV004685881.1).
Genomic context (GRCh38, chr15:55,466,982, plus strand): 5'-CATTTTACCTTTTGGAGCAAGATTTCTAGATGCCAAATTTCTAGTAAGACTCTTATATTT[TA>T]TTTTTTTTCTTTCTTCTTTAATTTGCTTTTCTTTTTGACATAATTTCTCTTCTCTCTGAA-3'